The following is an entry in ClinVar:

ClinVar aggregate classification (germline): Pathogenic (1 of 4 stars; one submission).

Conditions:
Alstrom syndrome (ALMS). Identifiers: Orphanet 64, MedGen C0268425, MONDO:0008763, OMIM 203800.

Submission:

Labcorp Genetics (formerly Invitae), Labcorp
Classification: Pathogenic for Alstrom syndrome. Last evaluated: 2020-01-10. Review status: criteria provided, single submitter. Criteria: Invitae Variant Classification Sherloc (09022015). Collection method: clinical testing. Allele origin: germline.
Comment: For these reasons, this variant has been classified as Pathogenic. Loss-of-function variants in ALMS1 are known to be pathogenic (PMID: 17594715). This variant has not been reported in the literature in individuals with ALMS1-related conditions. This variant is not present in population databases (ExAC no frequency). This sequence change creates a premature translational stop signal (p.Gln4043*) in the ALMS1 gene. It is expected to result in an absent or disrupted protein product.

Literature cited by the submitters: PubMed 17594715.

NM_001378454.1(ALMS1):c.12124C>T (p.Gln4042Ter)

Genes: ALMS1 (ALMS1 centrosome and basal body associated protein; plus strand), LOC126806252 (BRD4-independent group 4 enhancer GRCh37_chr2:73828496-73829695; plus strand). Cytogenetic location: 2p13.1.
Variant type: single nucleotide variant.
Coding change: c.12124C>T on transcript NM_001378454.1 (MANE Select); coding-DNA position 12124, C replaced by T.
Protein change: p.Gln4042Ter; replaces glutamine 4042 with a stop codon.
Molecular consequence: nonsense.
Genome position (GRCh38, 1-based): chr2:73,602,194, C>T. VCF-style: chr2-73602194-C-T. GRCh37 (hg19) VCF-style: chr2-73829321-C-T.
Other names: c.12127C>T, p.Gln4043Ter (NM_015120.4); short protein forms Q4042*, Q4043*.
Identifiers: ClinVar variation 1073242 (VCV001073242.8), dbSNP rs1675708936, ClinGen allele CA347267661.
Genomic context (GRCh38, chr2:73,602,194, plus strand): 5'-ATTGCATCATTAATCTGAGGCTGGGCATTTTCTCTTTTTTTTTTCTTTTAGGAATCGCTT[C>T]AGTTTCACAGACCTGACTTCATCTCCCGCTCTGGGGAGCGGATAAAGCGCCTGAAGTTAA-3'